The following is an entry in ClinVar:

NM_001941.5(DSC3):c.972A>G (p.Lys324=)

Gene: DSC3 (desmocollin 3; minus strand). Cytogenetic location: 18q12.1.
Variant type: single nucleotide variant.
Coding change: c.972A>G on transcript NM_001941.5 (MANE Select); coding-DNA position 972, A replaced by G.
Protein change: p.Lys324=; no amino-acid change (lysine 324 retained).
Molecular consequence: synonymous variant.
Genome position (GRCh38, 1-based): chr18:31,018,771, T>C on the plus strand (A>G on the coding strand, the complement: DSC3 is on the minus strand). VCF-style: chr18-31018771-T-C. GRCh37 (hg19) VCF-style: chr18-28598737-T-C.
Other names: c.972A>G, p.Lys324= (NM_024423.4).
Identifiers: ClinVar variation 3040227 (VCV003040227.2), dbSNP rs145101142, ClinGen allele CA8924421.

ClinVar aggregate classification (germline): Likely benign (0 of 4 stars; one submission).

Conditions:
DSC3-related disorder. Also called: DSC3-related condition.

Allele frequency attached by ClinVar (database versions not stated): ExAC 0.00035; gnomAD 0.00088; TOPMed 0.00096; 1000 Genomes Project 0.00120; ESP Exome Variant Server 0.00131; 1000 Genomes Project 30x 0.00156.

Submission:

PreventionGenetics, part of Exact Sciences
Classification: Likely benign for DSC3-related condition. Last evaluated: 2022-04-15. Review status: no assertion criteria provided. Collection method: clinical testing. Allele origin: germline.
Comment: This variant is classified as likely benign based on ACMG/AMP sequence variant interpretation guidelines (Richards et al. 2015 PMID: 25741868, with internal and published modifications).